The following is an entry in ClinVar:

NM_002334.4(LRP4):c.1481G>A (p.Arg494His)

Gene: LRP4 (LDL receptor related protein 4; minus strand). Cytogenetic location: 11p11.2.
Variant type: single nucleotide variant.
Coding change: c.1481G>A on transcript NM_002334.4 (MANE Select); coding-DNA position 1481, G replaced by A.
Protein change: p.Arg494His; replaces arginine 494 with histidine.
Molecular consequence: missense variant.
Genome position (GRCh38, 1-based): chr11:46,894,648, C>T on the plus strand (G>A on the coding strand, the complement: LRP4 is on the minus strand). VCF-style: chr11-46894648-C-T. GRCh37 (hg19) VCF-style: chr11-46916199-C-T.
Other names: short protein forms R494H.
Identifiers: ClinVar variation 449624 (VCV000449624.5), dbSNP rs777801967, ClinGen allele CA5970143.

ClinVar aggregate classification (germline): Uncertain significance. Review status: criteria provided, multiple submitters, no conflicts (2 of 4 stars). 3 submissions from 3 submitters: Uncertain significance (3). Last evaluated 2024-04-29.

Conditions:
Congenital myasthenic syndrome 17. Identifiers: Orphanet 590, MedGen C4225377, MONDO:0014578, OMIM 616304.
Sclerosteosis 2 (SOST2). Identifiers: Orphanet 3152, MedGen C3280402, MONDO:0013679, OMIM 614305.
Cenani-Lenz syndactyly syndrome. Also called: CENANI SYNDACTYLISM; SYNDACTYLY, TYPE VII. Identifiers: Orphanet 3258, MedGen C1859309, MONDO:0008931, OMIM 212780.

Allele frequency attached by ClinVar (database versions not stated): ExAC 0.00003; gnomAD 0.00003 and 0.00004; TOPMed 0.00003; gnomAD exomes 0.00004.
gnomAD v4.1: 68 of 1,613,918 alleles (0.0042%); highest among the groups gnomAD compares: Non-Finnish European, 0.0054%; no homozygotes.

Submissions (3):

Fulgent Genetics
Classification: Uncertain significance for Cenani-Lenz syndactyly syndrome; Sclerosteosis 2; Congenital myasthenic syndrome 17. Last evaluated: 2024-04-29. Review status: criteria provided, single submitter. Criteria: ACMG Guidelines, 2015. Collection method: clinical testing. Allele origin: germline.

Labcorp Genetics (formerly Invitae), Labcorp
Classification: Uncertain significance for Cenani-Lenz syndactyly syndrome; Sclerosteosis 2; Congenital myasthenic syndrome 17. Last evaluated: 2023-11-28. Review status: criteria provided, single submitter. Criteria: Invitae Variant Classification Sherloc (09022015). Collection method: clinical testing. Allele origin: germline.
Comment: This sequence change replaces arginine, which is basic and polar, with histidine, which is basic and polar, at codon 494 of the LRP4 protein (p.Arg494His). This variant is present in population databases (rs777801967, gnomAD 0.009%). This variant has not been reported in the literature in individuals affected with LRP4-related conditions. ClinVar contains an entry for this variant (Variation ID: 449624). Advanced modeling of protein sequence and biophysical properties (such as structural, functional, and spatial information, amino acid conservation, physicochemical variation, residue mobility, and thermodynamic stability) performed at Invitae indicates that this missense variant is not expected to disrupt LRP4 protein function with a negative predictive value of 80%. In summary, the available evidence is currently insufficient to determine the role of this variant in disease. Therefore, it has been classified as a Variant of Uncertain Significance.

GeneDx
Classification: Uncertain significance. Last evaluated: 2015-11-25. Review status: criteria provided, single submitter. Criteria: GeneDx Variant Classification (06012015). Collection method: clinical testing. Allele origin: germline. Affected: yes.
Comment: The R494H variant in the LRP4 gene has not been reported previously as a pathogenic variant, nor as a benign variant, to our knowledge. The R494H variant was not observed in approximately 6500 individuals of European and African American ancestry in the NHLBI Exome Sequencing Project, indicating it is not a common benign variant in these populations. The R494H variant is a conservative amino acid substitution, which is not likely to impact secondary protein structure as these residues share similar properties. This substitution occurs at a position where amino acids with similar properties to Arginine are tolerated across species. However, in silico analysis predicts this variant is probably damaging to the protein structure/function. Therefore, we interpret R494H as a variant of uncertain significance.